The following is an entry in ClinVar:

NM_032520.5(GNPTG):c.761dup (p.Glu255fs)

Gene: GNPTG (N-acetylglucosamine-1-phosphate transferase subunit gamma; plus strand). Cytogenetic location: 16p13.3.
Variant type: Duplication.
Coding change: c.761dup on transcript NM_032520.5 (MANE Select); coding-DNA position 761, one base duplicated (A; older notation c.761dupA).
Protein change: p.Glu255fs; shifts the reading frame from glutamic acid 255.
Molecular consequence: frameshift variant.
Genome position (GRCh38, 1-based): chr16:1,362,844, A duplicated; the last of 3 consecutive A bases (chr16:1,362,842-1,362,844); duplicating any one gives the same sequence. VCF-style (leftmost placement, unchanged base first): chr16-1362841-C-CA. GRCh37 (hg19) VCF-style: chr16-1412842-C-CA.
Other names: short protein forms E255fs.
Identifiers: ClinVar variation 4816342 (VCV004816342.1).

ClinVar aggregate classification (germline): Likely pathogenic (1 of 4 stars; one submission).

Conditions:
GNPTG-mucolipidosis. Also called: ML III GAMMA; ML IIIC; MUCOLIPIDOSIS III, COMPLEMENTATION GROUP C; MUCOLIPIDOSIS III, IRANIAN VARIANT FORM; MUCOLIPIDOSIS III, VARIANT FORM; Mucolipidosis type III gamma. Identifiers: Orphanet 423470, Orphanet 577, MedGen C1854896, MONDO:0009652, OMIM 252605.

Submission:

Natera, Inc.
Classification: Likely pathogenic for Mucolipidosis III gamma. Last evaluated: 2025-03-03. Review status: criteria provided, single submitter. Criteria: Natera Variant Classification Schema (03/2026). Collection method: clinical testing. Allele origin: germline.
Comment: The c.761dupA variant in GNPTG is a frameshift variant predicted to shift the reading frame beginning at codon 255 and leads to a stop codon 44 codons downstream. This variant is expected to result in nonsense mediated decay, truncation, or a dysfunctional protein product. This variant is rare in the general population with a frequency below the threshold expected for the associated phenotype(s). Given the available evidence, this variant is classified as Likely Pathogenic.